The following is an entry in ClinVar:

NM_000051.4(ATM):c.4336G>T (p.Val1446Phe)

Gene: ATM (ATM serine/threonine kinase; plus strand). Cytogenetic location: 11q22.3.
Variant type: single nucleotide variant.
Coding change: c.4336G>T on transcript NM_000051.4 (MANE Select); coding-DNA position 4336, G replaced by T.
Protein change: p.Val1446Phe; replaces valine 1446 with phenylalanine.
Molecular consequence: missense variant.
Genome position (GRCh38, 1-based): chr11:108,289,701, G>T. VCF-style: chr11-108289701-G-T. GRCh37 (hg19) VCF-style: chr11-108160428-G-T.
Other names: c.4336G>T, p.Val1446Phe (NM_001351834.2); short protein forms V1446F.
Identifiers: ClinVar variation 407655 (VCV000407655.8), dbSNP rs1060501658, ClinGen allele CA16613423.
Genomic context (GRCh38, chr11:108,289,701, plus strand): 5'-GCAGCTGAAACAAATAATGTTTATAAGAAGCACAGAATTCTTAAAATATATCACCTGTTT[G>T]TTAGTTTATTACTGAAAGATATAAAAAGTGGCTTAGGAGGAGCTTGGGCCTTTGTTCTTC-3'
Protein context (NP_000042.3, residues 1436-1456): HRILKIYHLF[Val1446Phe]SLLLKDIKSG

ClinVar aggregate classification (germline): Uncertain significance. Review status: criteria provided, multiple submitters, no conflicts (2 of 4 stars). 3 submissions from 3 submitters: Uncertain significance (3). Last evaluated 2023-12-13.

Conditions:
Familial cancer of breast. Also called: Hereditary breast cancer; hereditary breast carcinoma; BREAST CANCER, FAMILIAL. Identifiers: Orphanet 227535, MedGen C0346153, MONDO:0016419, OMIM 114480. Disease mechanism: loss of function.
Hereditary cancer-predisposing syndrome. Also called: Hereditary neoplastic syndrome; Neoplastic Syndromes, Hereditary; Tumor predisposition; Hereditary Cancer Syndrome. Identifiers: Orphanet 140162, MedGen C0027672, MeSH D009386, MONDO:0015356.
Ataxia-telangiectasia syndrome (AT). Also called: Ataxia telangiectasia (A-T); LOUIS-BAR SYNDROME; Cerebello-oculocutaneous telangiectasia; Immunodeficiency with ataxia telangiectasia; Ataxia-telangiectasia, complementation group D; AT, COMPLEMENTATION GROUP C. Identifiers: Orphanet 100, MedGen C0004135, MONDO:0008840, OMIM 208900.

Allele frequency attached by ClinVar (database versions not stated): gnomAD exomes below 0.00001.
gnomAD v4.1: 1 of 1,613,620 alleles (0.000062%); highest among the groups gnomAD compares: Non-Finnish European, 0.000085%; no homozygotes.

Submissions (3):

Baylor Genetics
Classification: Uncertain significance for Familial cancer of breast. Last evaluated: 2023-12-13. Review status: criteria provided, single submitter. Criteria: ACMG Guidelines, 2015. Collection method: clinical testing. Allele origin: unknown.

Ambry Genetics
Classification: Uncertain significance for Hereditary cancer-predisposing syndrome. Last evaluated: 2023-10-28. Review status: criteria provided, single submitter. Criteria: Ambry Variant Classification Scheme 2023. Collection method: clinical testing. Allele origin: germline.
Comment: The p.V1446F variant (also known as c.4336G>T), located in coding exon 28 of the ATM gene, results from a G to T substitution at nucleotide position 4336. The valine at codon 1446 is replaced by phenylalanine, an amino acid with highly similar properties. This amino acid position is conserved. In addition, this alteration is predicted to be deleterious by in silico analysis. Since supporting evidence is limited at this time, the clinical significance of this alteration remains unclear.

Labcorp Genetics (formerly Invitae), Labcorp
Classification: Uncertain significance for Ataxia-telangiectasia syndrome. Last evaluated: 2022-06-27. Review status: criteria provided, single submitter. Criteria: Invitae Variant Classification Sherloc (09022015). Collection method: clinical testing. Allele origin: germline.
Comment: This variant is not present in population databases (gnomAD no frequency). This sequence change replaces valine, which is neutral and non-polar, with phenylalanine, which is neutral and non-polar, at codon 1446 of the ATM protein (p.Val1446Phe). This variant has not been reported in the literature in individuals affected with ATM-related conditions. In summary, the available evidence is currently insufficient to determine the role of this variant in disease. Therefore, it has been classified as a Variant of Uncertain Significance. Advanced modeling of protein sequence and biophysical properties (such as structural, functional, and spatial information, amino acid conservation, physicochemical variation, residue mobility, and thermodynamic stability) performed at Invitae indicates that this missense variant is not expected to disrupt ATM protein function. ClinVar contains an entry for this variant (Variation ID: 407655).